The following is an entry in ClinVar:

ClinVar aggregate classification (germline): Uncertain significance. Review status: criteria provided, multiple submitters, no conflicts (2 of 4 stars). 3 submissions from 3 submitters: Uncertain significance (3). Last evaluated 2024-01-23.

Conditions:
Hypertrophic cardiomyopathy. Also called: HYPERTROPHIC MYOCARDIOPATHY. Identifiers: Orphanet 217569, MedGen C0007194, MeSH D002312, MONDO:0005045, HP:0001639.

Allele frequency attached by ClinVar (database versions not stated): gnomAD exomes 0.00002 and 0.00003; ExAC 0.00004; gnomAD 0.00005; TOPMed 0.00005.
gnomAD v4.1: 43 of 1,611,896 alleles (0.0027%); highest among the groups gnomAD compares: Admixed American, 0.0033%; 1 homozygote.

Submissions (3):

Ambry Genetics
Classification: Uncertain significance. Last evaluated: 2024-01-23. Review status: criteria provided, single submitter. Criteria: Ambry Variant Classification Scheme 2023. Collection method: clinical testing. Allele origin: germline.

Labcorp Genetics (formerly Invitae), Labcorp
Classification: Uncertain significance for Hypertrophic cardiomyopathy. Last evaluated: 2022-04-09. Review status: criteria provided, single submitter. Criteria: Invitae Variant Classification Sherloc (09022015). Collection method: clinical testing. Allele origin: germline.
Comment: ClinVar contains an entry for this variant (Variation ID: 229021). This sequence change replaces alanine, which is neutral and non-polar, with valine, which is neutral and non-polar, at codon 1093 of the MYOM1 protein (p.Ala1093Val). This variant is present in population databases (rs749676865, gnomAD 0.004%). This variant has not been reported in the literature in individuals affected with MYOM1-related conditions. Algorithms developed to predict the effect of missense changes on protein structure and function output the following: SIFT: "Tolerated"; PolyPhen-2: "Benign"; Align-GVGD: "Class C0". The valine amino acid residue is found in multiple mammalian species, which suggests that this missense change does not adversely affect protein function. Algorithms developed to predict the effect of sequence changes on RNA splicing suggest that this variant may create or strengthen a splice site. In summary, the available evidence is currently insufficient to determine the role of this variant in disease. Therefore, it has been classified as a Variant of Uncertain Significance.

Laboratory for Molecular Medicine, Mass General Brigham Personalized Medicine
Classification: Uncertain significance. Last evaluated: 2015-11-12. Review status: criteria provided, single submitter. Criteria: LMM Criteria. Collection method: clinical testing. Allele origin: germline. Observed: 1 variant allele.
Comment: The p.Ala1093Val variant in MYOM1 has not been previously reported in individual s with cardiomyopathy, but has been identified in 3/58954 European chromosomes b y the Exome Aggregation Consortium (ExAC; dbSNP rs749676865). Alanine (Ala) at position 1093 is not conserved in mammals or evol utionarily distant species and 2 mammals (black flying fox, megabat) carry a val ine (Val) at this position, raising the possibility that this change may be tole rated. In summary, the clinical significance of the p.Ala1093Val variant is unce rtain.

NM_003803.4(MYOM1):c.3278C>T (p.Ala1093Val)

Gene: MYOM1 (myomesin 1; minus strand). Cytogenetic location: 18p11.31.
Variant type: single nucleotide variant.
Coding change: c.3278C>T on transcript NM_003803.4 (MANE Select); coding-DNA position 3278, C replaced by T.
Protein change: p.Ala1093Val; replaces alanine 1093 with valine.
Molecular consequence: missense variant.
Genome position (GRCh38, 1-based): chr18:3,116,356, G>A on the plus strand (C>T on the coding strand, the complement: MYOM1 is on the minus strand). VCF-style: chr18-3116356-G-A. GRCh37 (hg19) VCF-style: chr18-3116354-G-A.
Other names: c.2990C>T, p.Ala997Val (NM_019856.2); short protein forms A1093V, A997V.
Identifiers: ClinVar variation 229021 (VCV000229021.15), dbSNP rs749676865, ClinGen allele CA8874369.